The following is an entry in ClinVar:

NM_015631.6(TCTN3):c.25C>T (p.Leu9=)

Genes: TCTN3 (tectonic family member 3; minus strand), LOC130004408 (ATAC-STARR-seq lymphoblastoid active region 3801; plus strand). Cytogenetic location: 10q24.1.
Variant type: single nucleotide variant.
Coding change: c.25C>T on transcript NM_015631.6 (MANE Select); coding-DNA position 25, C replaced by T.
Protein change: p.Leu9=; no amino-acid change (leucine 9 retained).
Molecular consequence: synonymous variant.
Genome position (GRCh38, 1-based): chr10:95,693,875, G>A on the plus strand (C>T on the coding strand, the complement: TCTN3 is on the minus strand). VCF-style: chr10-95693875-G-A. GRCh37 (hg19) VCF-style: chr10-97453632-G-A.
Other names: c.79C>T, p.Leu27= (NM_001013840.1); c.25C>T, p.Leu9= (NM_001143973.2, NM_001410982.1); c.25C>T (NM_015631.5).
Identifiers: ClinVar variation 2147470 (VCV002147470.5), dbSNP rs770794139, ClinGen allele CA211808574.

ClinVar aggregate classification (germline): Likely benign. Review status: criteria provided, multiple submitters, no conflicts (2 of 4 stars). 2 submissions from 2 submitters: Likely benign (2). Last evaluated 2026-09-16.

Conditions:
TCTN3-related disorder. Also called: TCTN3-related condition.
Orofacial-digital syndrome IV (OFD4). Also called: BARAITSER-BURN SYNDROME; Orofaciodigital syndrome IV; MOHR-MAJEWSKI SYNDROME; OFD SYNDROME WITH TIBIAL DEFECTS; OFD SYNDROME, BARAITSER-BURN TYPE; OFDS IV. Identifiers: Orphanet 2753, MedGen C0406727, MONDO:0009794, OMIM 258860.
Joubert syndrome 18 (JBTS18). Identifiers: Orphanet 2754, MedGen C3553758, MONDO:0013896, OMIM 614815.

Allele frequency attached by ClinVar (database versions not stated): TOPMed 0.00001; gnomAD exomes 0.00010.

Submissions (2):

PreventionGenetics, part of Exact Sciences
Classification: Likely benign for TCTN3-related condition. Last evaluated: 2026-09-16. Review status: criteria provided, single submitter. Criteria: ACMG Guidelines, 2015. Collection method: clinical testing. Allele origin: germline.
Comment: This variant is classified as likely benign based on ACMG/AMP sequence variant interpretation guidelines (Richards et al. 2015 PMID: 25741868, with internal and published modifications).

Labcorp Genetics (formerly Invitae), Labcorp
Classification: Likely benign for Joubert syndrome 18; Orofacial-digital syndrome IV. Last evaluated: 2024-06-05. Review status: criteria provided, single submitter. Criteria: Invitae Variant Classification Sherloc (09022015). Collection method: clinical testing. Allele origin: germline.